The following is an entry in ClinVar:

ClinVar aggregate classification (germline): Uncertain significance (1 of 4 stars; one submission).

gnomAD v4.1: 5 of 1,613,064 alleles (0.00031%); highest among the groups gnomAD compares: Non-Finnish European, 0.00042%; no homozygotes.

Submission:

GeneDx
Classification: Uncertain significance. Last evaluated: 2022-10-03. Review status: criteria provided, single submitter. Criteria: GeneDx Variant Classification Process June 2021. Collection method: clinical testing. Allele origin: germline. Affected: yes.
Comment: Not observed at significant frequency in large population cohorts (gnomAD); In silico analysis supports that this missense variant does not alter protein structure/function; Has not been previously published as pathogenic or benign to our knowledge

NM_017780.4(CHD7):c.5875A>T (p.Ile1959Leu)

Gene: CHD7 (chromodomain helicase DNA binding protein 7; plus strand). Cytogenetic location: 8q12.2.
Variant type: single nucleotide variant.
Coding change: c.5875A>T on transcript NM_017780.4 (MANE Select); coding-DNA position 5875, A replaced by T.
Protein change: p.Ile1959Leu; replaces isoleucine 1959 with leucine.
Molecular consequence: missense variant. On other transcripts: intron variant (1).
Genome position (GRCh38, 1-based): chr8:60,852,228, A>T. VCF-style: chr8-60852228-A-T. GRCh37 (hg19) VCF-style: chr8-61764787-A-T.
Other names: c.1717-10001A>T (NM_001316690.1); short protein forms I1959L.
Identifiers: ClinVar variation 2446540 (VCV002446540.1), dbSNP rs761757211, ClinGen allele CA371323395.